The following is an entry in ClinVar:

ClinVar aggregate classification (germline): Benign/Likely benign. Review status: criteria provided, multiple submitters, no conflicts (2 of 4 stars). 5 submissions from 5 submitters: Benign (2); Likely benign (3). Last evaluated 2026-01-26.

Conditions:
Familial thoracic aortic aneurysm and aortic dissection (TAAD). Also called: Thoracic aortic aneurysms and dissections. Identifiers: Orphanet 91387, MedGen C4707243, MONDO:0019625.
Melnick-Needles syndrome (MNS). Also called: Melnick-Needles Syndrome (FLNA-MNS); MELNICK-NEEDLES OSTEODYSPLASTY; OSTEODYSPLASTY OF MELNICK AND NEEDLES. Identifiers: Orphanet 2484, MedGen C0025237, MONDO:0010650, OMIM 309350.
Oto-palato-digital syndrome, type II (OPD2). Also called: Otopalatodigital Syndrome Type 2 (FLNA-OPD2); OPD II SYNDROME; Otopalatodigital Syndrome, Type II; FACIOPALATOOSSEOUS SYNDROME. Identifiers: Orphanet 669, Orphanet 90652, MedGen C1844696, MONDO:0010571, OMIM 304120.
Frontometaphyseal dysplasia (FMD1). Identifiers: Orphanet 1826, MedGen C0265293, MONDO:0015942.
Heterotopia, periventricular, X-linked dominant (PVNH1). Also called: PERIVENTRICULAR NODULAR HETEROTOPIA 1; PERIVENTRICULAR NODULAR HETEROTOPIA 4; HETEROTOPIA, PERIVENTRICULAR, 1; X-linked periventricular heterotopia. Identifiers: Orphanet 2149, Orphanet 82004, MedGen C1848213, MONDO:0010233, OMIM 300049.

Allele frequency attached by ClinVar (database versions not stated): gnomAD exomes 0.00007 and 0.00038; gnomAD 0.00009 and 0.00017; TOPMed 0.00016; ExAC 0.00032; 1000 Genomes Project 0.00185; 1000 Genomes Project 30x 0.00208.
gnomAD v4.1: 101 of 1,211,002 alleles (0.0083%); highest among the groups gnomAD compares: East Asian, 0.26%; 1 homozygote.

Submissions (5):

Labcorp Genetics (formerly Invitae), Labcorp
Classification: Benign for Oto-palato-digital syndrome, type II; Heterotopia, periventricular, X-linked dominant; Frontometaphyseal dysplasia; Melnick-Needles syndrome. Last evaluated: 2026-01-26. Review status: criteria provided, single submitter. Criteria: Invitae Variant Classification Sherloc (09022015). Collection method: clinical testing. Allele origin: germline.

CeGaT Center for Human Genetics Tuebingen
Classification: Likely benign. Last evaluated: 2025-01-01. Review status: criteria provided, single submitter. Criteria: CeGaT Center For Human Genetics Tuebingen Variant Classification Criteria Version 2. Collection method: clinical testing. Allele origin: germline. Affected: yes. Observed: 1 variant allele.
Comment: FLNA: BP4, BS2

Blueprint Genetics
Classification: Likely benign. Last evaluated: 2022-10-27. Review status: criteria provided, single submitter. Criteria: ACMG Guidelines, 2015. Collection method: clinical testing. Allele origin: germline.

GeneDx
Classification: Likely benign. Last evaluated: 2020-11-06. Review status: criteria provided, single submitter. Criteria: GeneDx Variant Classification Process June 2021. Collection method: clinical testing. Allele origin: germline. Affected: yes.

Ambry Genetics
Classification: Benign for Familial thoracic aortic aneurysm and aortic dissection. Last evaluated: 2016-07-28. Review status: criteria provided, single submitter. Criteria: Ambry Variant Classification Scheme 2023. Collection method: clinical testing. Allele origin: germline.

NM_001110556.2(FLNA):c.5658C>T (p.Phe1886=)

Gene: FLNA (filamin A; minus strand). Cytogenetic location: Xq28.
Variant type: single nucleotide variant.
Coding change: c.5658C>T on transcript NM_001110556.2 (MANE Select); coding-DNA position 5658, C replaced by T.
Protein change: p.Phe1886=; no amino-acid change (phenylalanine 1886 retained).
Molecular consequence: synonymous variant.
Genome position (GRCh38, 1-based): chrX:154,353,943, G>A on the plus strand (C>T on the coding strand, the complement: FLNA is on the minus strand). VCF-style: chrX-154353943-G-A. GRCh37 (hg19) VCF-style: chrX-153582311-G-A.
Other names: c.5634C>T, p.Phe1878= (NM_001456.4).
Identifiers: ClinVar variation 465002 (VCV000465002.70), dbSNP rs182894587, ClinGen allele CA10560266.